The following is an entry in ClinVar:

NM_004614.5(TK2):c.469G>T (p.Asp157Tyr)

Gene: TK2 (thymidine kinase 2; minus strand). Cytogenetic location: 16q21.
Variant type: single nucleotide variant.
Coding change: c.469G>T on transcript NM_004614.5 (MANE Select); coding-DNA position 469, G replaced by T.
Protein change: p.Asp157Tyr; replaces aspartic acid 157 with tyrosine.
Molecular consequence: missense variant. On other transcripts: non-coding transcript variant (1), intron variant (1).
Genome position (GRCh38, 1-based): chr16:66,517,858, C>A on the plus strand (G>T on the coding strand, the complement: TK2 is on the minus strand). VCF-style: chr16-66517858-C-A. GRCh37 (hg19) VCF-style: chr16-66551761-C-A.
Other names: c.376G>T, p.Asp126Tyr (NM_001172643.1); c.394G>T, p.Asp132Tyr (NM_001172644.2); c.415G>T, p.Asp139Tyr (NM_001172645.2); c.322G>T, p.Asp108Tyr (NM_001271934.2); c.178G>T, p.Asp60Tyr (NM_001272050.2); c.357-4047G>T (NM_001271935.1); short protein forms D126Y, D60Y, D139Y, D108Y, D132Y, D157Y.
Identifiers: ClinVar variation 1498219 (VCV001498219.3), dbSNP rs374777494, ClinGen allele CA8093660.
Genomic context (GRCh38, chr16:66,517,858, plus strand): 5'-CAACAGACACGTCCATGTTCCTCAAGATCCAGTCAAACCATTCCGACAGAACTACATAGT[C>A]CACTTCTGGCATCTTCCCACTGCAATGAGAGTTGTAAGGGCTTATTCACCTAAGAGAAAA-3'
Protein context (NP_004605.4, residues 147-167): LYRSGKMPEV[Asp157Tyr]YVVLSEWFDW

ClinVar aggregate classification (germline): Uncertain significance (1 of 4 stars; one submission).

Allele frequency attached by ClinVar (database versions not stated): ExAC 0.00001; gnomAD exomes 0.00001; ESP Exome Variant Server 0.00008.
gnomAD v4.1: 19 of 1,614,048 alleles (0.0012%); highest among the groups gnomAD compares: Non-Finnish European, 0.0016%; no homozygotes.

Submission:

Labcorp Genetics (formerly Invitae), Labcorp
Classification: Uncertain significance. Last evaluated: 2021-09-29. Review status: criteria provided, single submitter. Criteria: Invitae Variant Classification Sherloc (09022015). Collection method: clinical testing. Allele origin: germline.
Comment: This sequence change replaces aspartic acid with tyrosine at codon 157 of the TK2 protein (p.Asp157Tyr). The aspartic acid residue is highly conserved and there is a large physicochemical difference between aspartic acid and tyrosine. This variant is present in population databases (rs374777494, ExAC 0.001%). This variant has not been reported in the literature in individuals affected with TK2-related conditions. Advanced modeling of protein sequence and biophysical properties (such as structural, functional, and spatial information, amino acid conservation, physicochemical variation, residue mobility, and thermodynamic stability) performed at Invitae indicates that this missense variant is expected to disrupt TK2 protein function. In summary, the available evidence is currently insufficient to determine the role of this variant in disease. Therefore, it has been classified as a Variant of Uncertain Significance.